The following is an entry in ClinVar:

ClinVar aggregate classification (germline): Likely pathogenic (1 of 4 stars; one submission).

Submission:

GeneDx
Classification: Likely pathogenic. Last evaluated: 2018-08-27. Review status: criteria provided, single submitter. Criteria: GeneDx Variant Classification (06012015). Collection method: clinical testing. Allele origin: germline. Affected: yes.
Comment: The Q2071X variant has not been published as a pathogenic variant, nor has it been reported as a benign variant to our knowledge. The Q2071X nonsense variant is predicted to cause loss of normal protein function either through protein truncation or nonsense-mediated mRNA decay. Furthermore, the Q2071X variant is not observed in large population cohorts (Lek et al., 2016). Therefore, this variant is likely pathogenic; however, the possibility that it is benign cannot be excluded.

NM_030632.3(ASXL3):c.6211C>T (p.Gln2071Ter)

Gene: ASXL3 (ASXL transcriptional regulator 3; plus strand). Cytogenetic location: 18q12.1.
Variant type: single nucleotide variant.
Coding change: c.6211C>T on transcript NM_030632.3 (MANE Select); coding-DNA position 6211, C replaced by T.
Protein change: p.Gln2071Ter; replaces glutamine 2071 with a stop codon.
Molecular consequence: nonsense.
Genome position (GRCh38, 1-based): chr18:33,746,059, C>T. VCF-style: chr18-33746059-C-T. GRCh37 (hg19) VCF-style: chr18-31326023-C-T.
Other names: short protein forms Q2071*.
Identifiers: ClinVar variation 620333 (VCV000620333.1), dbSNP rs1568369744, ClinGen allele CA402196366.